The following is an entry in ClinVar:

NM_022773.4(LMF1):c.902T>A (p.Val301Asp)

Gene: LMF1 (lipase maturation factor 1; minus strand). Cytogenetic location: 16p13.3.
Variant type: single nucleotide variant.
Coding change: c.902T>A on transcript NM_022773.4 (MANE Select); coding-DNA position 902, T replaced by A.
Protein change: p.Val301Asp; replaces valine 301 with aspartic acid.
Molecular consequence: missense variant. On other transcripts: non-coding transcript variant (1).
Genome position (GRCh38, 1-based): chr16:871,337, A>T on the plus strand (T>A on the coding strand, the complement: LMF1 is on the minus strand). VCF-style: chr16-871337-A-T. GRCh37 (hg19) VCF-style: chr16-921337-A-T.
Other names: c.251T>A, p.Val84Asp (NM_001352017.2, NM_001352021.2); c.503T>A, p.Val168Asp (NM_001352018.2); c.575T>A, p.Val192Asp (NM_001352019.2); c.902T>A, p.Val301Asp (NM_001352020.1); short protein forms V84D, V192D, V301D, V168D.
Identifiers: ClinVar variation 2586483 (VCV002586483.2), dbSNP rs747889014, ClinGen allele CA7797278.

ClinVar aggregate classification (germline): Uncertain significance (1 of 4 stars; one submission).

Conditions:
Cardiovascular phenotype. Identifiers: MedGen CN230736.

Allele frequency attached by ClinVar (database versions not stated): gnomAD exomes 0.00001; TOPMed 0.00001; ExAC 0.00004.
gnomAD v4.1: 11 of 1,610,328 alleles (0.00068%); highest among the groups gnomAD compares: Non-Finnish European, 0.00093%; no homozygotes.

Submission:

Ambry Genetics
Classification: Uncertain significance for Cardiovascular phenotype. Last evaluated: 2023-09-05. Review status: criteria provided, single submitter. Criteria: Ambry Variant Classification Scheme 2023. Collection method: clinical testing. Allele origin: germline.
Comment: The p.V301D variant (also known as c.902T>A), located in coding exon 7 of the LMF1 gene, results from a T to A substitution at nucleotide position 902. The valine at codon 301 is replaced by aspartic acid, an amino acid with highly dissimilar properties. This amino acid position is conserved. In addition, this alteration is predicted to be tolerated by in silico analysis. Since supporting evidence is limited at this time, the clinical significance of this alteration remains unclear.